The following is an entry in ClinVar:

NM_018972.4(GDAP1):c.484+4T>C

Gene: GDAP1 (ganglioside induced differentiation associated protein 1; plus strand). Cytogenetic location: 8q21.11.
Variant type: single nucleotide variant.
Coding change: c.484+4T>C on transcript NM_018972.4 (MANE Select); 4 bases into the intron after coding-DNA position 484, T replaced by C.
Molecular consequence: intron variant.
Genome position (GRCh38, 1-based): chr8:74,360,314, T>C. VCF-style: chr8-74360314-T-C. GRCh37 (hg19) VCF-style: chr8-75272549-T-C.
Other names: c.484+4T>C (NM_001362931.2); c.311-1570T>C (NM_001362930.2); c.157+4T>C (NM_001362929.2, NM_001362932.2); c.280+4T>C (NM_001040875.4).
Identifiers: ClinVar variation 1006606 (VCV001006606.6), dbSNP rs1318164702, ClinGen allele CA582808968.

ClinVar aggregate classification (germline): Uncertain significance (1 of 4 stars; one submission).

Conditions:
Charcot-Marie-Tooth disease type 4A. Also called: Charcot-Marie-Tooth disease, demyelinating, autosomal recessive, type 4a. Identifiers: Orphanet 99948, MedGen C1859198, MONDO:0008961, OMIM 214400.

Allele frequency attached by ClinVar (database versions not stated): gnomAD exomes below 0.00001; gnomAD 0.00001; TOPMed 0.00001.
gnomAD v4.1: 2 of 1,608,954 alleles (0.00012%); highest among the groups gnomAD compares: Non-Finnish European, 0.00017%; no homozygotes.

Submission:

Labcorp Genetics (formerly Invitae), Labcorp
Classification: Uncertain significance for Charcot-Marie-Tooth disease type 4A. Last evaluated: 2021-09-01. Review status: criteria provided, single submitter. Criteria: Invitae Variant Classification Sherloc (09022015). Collection method: clinical testing. Allele origin: germline.
Comment: This sequence change falls in intron 3 of the GDAP1 gene. It does not directly change the encoded amino acid sequence of the GDAP1 protein. It affects a nucleotide within the consensus splice site of the intron. This variant is not present in population databases (ExAC no frequency). This variant has not been reported in the literature in individuals affected with GDAP1-related conditions. Variants that disrupt the consensus splice site are a relatively common cause of aberrant splicing (PMID: 17576681, 9536098). Algorithms developed to predict the effect of sequence changes on RNA splicing suggest that this variant is not likely to affect RNA splicing. In summary, the available evidence is currently insufficient to determine the role of this variant in disease. Therefore, it has been classified as a Variant of Uncertain Significance.

Literature cited by the submitters: PubMed 17576681; PubMed 9536098.